The following is an entry in ClinVar:

ClinVar aggregate classification (germline): Uncertain significance (1 of 4 stars; one submission).

Allele frequency attached by ClinVar (database versions not stated): ExAC 0.00001; gnomAD 0.00001.

Submission:

GeneDx
Classification: Uncertain significance. Last evaluated: 2022-05-18. Review status: criteria provided, single submitter. Criteria: GeneDx Variant Classification Process June 2021. Collection method: clinical testing. Allele origin: germline. Affected: yes.
Comment: Not observed at significant frequency in large population cohorts (gnomAD); In silico analysis supports that this missense variant has a deleterious effect on protein structure/function; Has not been previously published as pathogenic or benign to our knowledge

NM_019066.5(MAGEL2):c.2585C>G (p.Pro862Arg)

Gene: MAGEL2 (MAGE family member L2; minus strand). Cytogenetic location: 15q11.2.
Variant type: single nucleotide variant.
Coding change: c.2585C>G on transcript NM_019066.5 (MANE Select); coding-DNA position 2585, C replaced by G.
Protein change: p.Pro862Arg; replaces proline 862 with arginine.
Molecular consequence: missense variant.
Genome position (GRCh38, 1-based): chr15:23,645,158, G>C on the plus strand (C>G on the coding strand, the complement: MAGEL2 is on the minus strand). VCF-style: chr15-23645158-G-C. GRCh37 (hg19) VCF-style: chr15-23890305-G-C.
Other names: short protein forms P862R.
Identifiers: ClinVar variation 1800647 (VCV001800647.1), dbSNP rs767518567, ClinGen allele CA7429873.